The following is an entry in ClinVar:

ClinVar aggregate classification (germline): Uncertain significance (1 of 4 stars; one submission).

gnomAD v4.1: 2 of 1,602,864 alleles (0.00012%); highest among the groups gnomAD compares: African/African-American, 0.0013%; no homozygotes.

Submission:

Labcorp Genetics (formerly Invitae), Labcorp
Classification: Uncertain significance. Last evaluated: 2022-11-01. Review status: criteria provided, single submitter. Criteria: Invitae Variant Classification Sherloc (09022015). Collection method: clinical testing. Allele origin: germline.
Comment: This sequence change creates a premature translational stop signal (p.Ser502*) in the ALPL gene. While this is not anticipated to result in nonsense mediated decay, it is expected to disrupt the last 23 amino acid(s) of the ALPL protein. The frequency data for this variant in the population databases is considered unreliable, as metrics indicate poor data quality at this position in the gnomAD database. This variant has not been reported in the literature in individuals affected with ALPL-related conditions. ClinVar contains an entry for this variant (Variation ID: 1381525). This variant disrupts the C-terminus of the ALPL protein. Other variant(s) that disrupt this region (p.Tyr518*) have been observed in individuals with ALPL-related conditions (PMID: 32160374). This suggests that this may be a clinically significant region of the protein. In summary, the available evidence is currently insufficient to determine the role of this variant in disease. Therefore, it has been classified as a Variant of Uncertain Significance.

Literature cited by the submitters: PubMed 32160374.

NM_000478.6(ALPL):c.1505C>A (p.Ser502Ter)

Gene: ALPL (alkaline phosphatase, biomineralization associated; plus strand). Cytogenetic location: 1p36.12.
Variant type: single nucleotide variant.
Coding change: c.1505C>A on transcript NM_000478.6 (MANE Select); coding-DNA position 1505, C replaced by A.
Protein change: p.Ser502Ter; replaces serine 502 with a stop codon.
Molecular consequence: nonsense.
Genome position (GRCh38, 1-based): chr1:21,577,578, C>A. VCF-style: chr1-21577578-C-A. GRCh37 (hg19) VCF-style: chr1-21904071-C-A.
Other names: c.1340C>A, p.Ser447Ter (NM_001127501.4); c.1274C>A, p.Ser425Ter (NM_001177520.3); c.1505C>A, p.Ser502Ter (NM_001369803.2, NM_001369804.2, NM_001369805.2); short protein forms S425*, S502*, S447*.
Identifiers: ClinVar variation 1381525 (VCV001381525.8), dbSNP rs550358395, ClinGen allele CA338882465.